The following is an entry in ClinVar:

ClinVar aggregate classification (germline): Benign. Review status: reviewed by expert panel (3 of 4 stars). 3 submissions from 3 submitters: Benign (1). 2 of the submissions do not count toward it. Last evaluated 2015-01-12.

Conditions:
Hereditary cancer-predisposing syndrome. Also called: Tumor predisposition; Hereditary Cancer Syndrome; Neoplastic Syndromes, Hereditary; Hereditary neoplastic syndrome. Identifiers: Orphanet 140162, MedGen C0027672, MeSH D009386, MONDO:0015356.
Breast-ovarian cancer, familial, susceptibility to, 1 (BROVCA1). Also called: BRCA1 Hereditary Breast and Ovarian Cancer; OVARIAN CANCER, SUSCEPTIBILITY TO. Identifiers: Orphanet 145, MedGen C2676676, MONDO:0011450, OMIM 604370. Disease mechanism: loss of function.
Hereditary breast ovarian cancer syndrome. Also called: Breast and ovarian cancer; Hereditary breast and ovarian cancer; Hereditary breast and ovarian cancer syndrome; Hereditary breast and/or ovarian cancer syndrome; BRCA1- and BRCA2-Associated Hereditary Breast and Ovarian Cancer; Hereditary breast and ovarian cancer syndrome (HBOC). Identifiers: Orphanet 145, MedGen C0677776, MeSH D061325, MONDO:0003582. Disease mechanism: loss of function.

Submissions (3):

Evidence-based Network for the Interpretation of Germline Mutant Alleles (ENIGMA)
Classification: Benign for Breast-ovarian cancer, familial 1. Last evaluated: 2015-01-12. Review status: reviewed by expert panel. Criteria: ENIGMA BRCA1/2 Classification Criteria (2015). Collection method: curation. Allele origin: germline.
Comment: Class 1 not pathogenic based on frequency >1% in an outbred sampleset. Frequency 0.02 (African), derived from 1000 genomes (2012-04-30).

Labcorp Genetics (formerly Invitae), Labcorp
Classification: Benign for Hereditary breast ovarian cancer syndrome. Last evaluated: 2025-07-31. Review status: criteria provided, single submitter. Criteria: Invitae Variant Classification Sherloc (09022015). Collection method: clinical testing. Allele origin: germline. Not counted in ClinVar's aggregate classification.

Sema4
Classification: Likely benign for Hereditary cancer-predisposing syndrome. Last evaluated: 2020-08-31. Review status: criteria provided, single submitter. Criteria: Sema4 Curation Guidelines. Collection method: curation. Allele origin: germline. Not counted in ClinVar's aggregate classification.

NM_007294.4(BRCA1):c.5332+182dup

Gene: BRCA1 (BRCA1 DNA repair associated; minus strand). Cytogenetic location: 17q21.31.
Variant type: Duplication.
Coding change: c.5332+182dup on transcript NM_007294.4 (MANE Select); 182 bases into the intron after coding-DNA position 5332, one base duplicated (A; older notation c.5332+182dupA).
Molecular consequence: intron variant.
Genome position (GRCh38, 1-based): chr17:43,050,881, T duplicated on the plus strand (A on the coding strand, the reverse complement: BRCA1 is on the minus strand); the first of 9 consecutive T bases (chr17:43,050,881-43,050,889); duplicating any one gives the same sequence. VCF-style (leftmost placement, unchanged base first): chr17-43050880-G-GT. GRCh37 (hg19) VCF-style: chr17-41202897-G-GT.
Other names: IVS 21+182insA; c.5332+182_5332+183insA (NM_007294.3); c.1876+182dup (NM_001408469.1, NM_001408468.1, NM_001408470.1); c.1882+182dup (NM_001408453.1, NM_001408455.1, NM_001408452.1 and 3 more transcripts); c.5188+182dup (NM_001407737.1, NM_001407746.1, NM_001407738.1 and 21 more transcripts); c.5191+182dup (NM_001407728.1, NM_007297.4, NM_001407731.1 and 13 more transcripts); c.1879+182dup (NM_001408461.1, NM_001408464.1, NM_001408467.1 and 7 more transcripts); c.5122+182dup (NM_001407886.1, NM_001407881.1, NM_001407887.1 and 5 more transcripts); and 76 more.
Identifiers: ClinVar variation 209258 (VCV000209258.11), dbSNP rs201644509, ClinGen allele CA276230.